The following is an entry in ClinVar:

NM_006642.5(SDCCAG8):c.364A>G (p.Ile122Val)

Gene: SDCCAG8 (SHH signaling and ciliogenesis regulator SDCCAG8; plus strand). Cytogenetic location: 1q43.
Variant type: single nucleotide variant.
Coding change: c.364A>G on transcript NM_006642.5 (MANE Select); coding-DNA position 364, A replaced by G.
Protein change: p.Ile122Val; replaces isoleucine 122 with valine.
Molecular consequence: missense variant. On other transcripts: 5 prime UTR variant (3).
Genome position (GRCh38, 1-based): chr1:243,274,600, A>G. VCF-style: chr1-243274600-A-G. GRCh37 (hg19) VCF-style: chr1-243437902-A-G.
Other names: c.-749A>G (NM_001350246.2); c.-637A>G (NM_001350247.2); c.364A>G, p.Ile122Val (NM_001350248.2); c.70A>G, p.Ile24Val (NM_001350249.2); c.-1010A>G (NM_001350251.2); short protein forms I122V, I24V.
Identifiers: ClinVar variation 1059579 (VCV001059579.9), dbSNP rs377473337, ClinGen allele CA1483288.

ClinVar aggregate classification (germline): Uncertain significance (1 of 4 stars; one submission).

Conditions:
Senior-Loken syndrome 7 (SLSN7). Identifiers: Orphanet 3156, MedGen C3150877, MONDO:0013326, OMIM 613615.
Bardet-Biedl syndrome 16 (BBS16). Identifiers: Orphanet 110, MedGen C3889474, MONDO:0014444, OMIM 615993.

Allele frequency attached by ClinVar (database versions not stated): gnomAD 0.00001; gnomAD exomes 0.00001; ExAC 0.00002; ESP Exome Variant Server 0.00008.
gnomAD v4.1: 15 of 1,612,054 alleles (0.00093%); highest among the groups gnomAD compares: Non-Finnish European, 0.0012%; no homozygotes.

Submission:

Labcorp Genetics (formerly Invitae), Labcorp
Classification: Uncertain significance for Bardet-Biedl syndrome 16; Senior-Loken syndrome 7. Last evaluated: 2020-07-01. Review status: criteria provided, single submitter. Criteria: Invitae Variant Classification Sherloc (09022015). Collection method: clinical testing. Allele origin: germline.
Comment: In summary, the available evidence is currently insufficient to determine the role of this variant in disease. Therefore, it has been classified as a Variant of Uncertain Significance. Algorithms developed to predict the effect of missense changes on protein structure and function are either unavailable or do not agree on the potential impact of this missense change (SIFT: "Deleterious"; PolyPhen-2: "Benign"; Align-GVGD: "Class C0"). This variant has not been reported in the literature in individuals with SDCCAG8-related conditions. This variant is present in population databases (rs377473337, ExAC 0.01%). This sequence change replaces isoleucine with valine at codon 122 of the SDCCAG8 protein (p.Ile122Val). The isoleucine residue is highly conserved and there is a small physicochemical difference between isoleucine and valine.